The following is an entry in ClinVar:

NM_004525.3(LRP2):c.8206T>G (p.Cys2736Gly)

Gene: LRP2 (LDL receptor related protein 2; minus strand). Cytogenetic location: 2q31.1.
Variant type: single nucleotide variant.
Coding change: c.8206T>G on transcript NM_004525.3 (MANE Select); coding-DNA position 8206, T replaced by G.
Protein change: p.Cys2736Gly; replaces cysteine 2736 with glycine.
Molecular consequence: missense variant.
Genome position (GRCh38, 1-based): chr2:169,202,759, A>C on the plus strand (T>G on the coding strand, the complement: LRP2 is on the minus strand). VCF-style: chr2-169202759-A-C. GRCh37 (hg19) VCF-style: chr2-170059269-A-C.
Other names: short protein forms C2736G.
Identifiers: ClinVar variation 3384462 (VCV003384462.1).

ClinVar aggregate classification (germline): Uncertain significance (1 of 4 stars; one submission).

Submission:

GeneDx
Classification: Uncertain significance. Last evaluated: 2024-05-30. Review status: criteria provided, single submitter. Criteria: GeneDx Variant Classification Process June 2021. Collection method: clinical testing. Allele origin: germline. Affected: yes.
Comment: Not observed at significant frequency in large population cohorts (gnomAD); In silico analysis supports that this missense variant has a deleterious effect on protein structure/function; Has not been previously published as pathogenic or benign to our knowledge